The following is an entry in ClinVar:

NM_000051.4(ATM):c.1629T>G (p.Thr543=)

Gene: ATM (ATM serine/threonine kinase; plus strand). Cytogenetic location: 11q22.3.
Variant type: single nucleotide variant.
Coding change: c.1629T>G on transcript NM_000051.4 (MANE Select); coding-DNA position 1629, T replaced by G.
Protein change: p.Thr543=; no amino-acid change (threonine 543 retained).
Molecular consequence: synonymous variant.
Genome position (GRCh38, 1-based): chr11:108,251,858, T>G. VCF-style: chr11-108251858-T-G. GRCh37 (hg19) VCF-style: chr11-108122585-T-G.
Other names: c.1629T>G, p.Thr543= (NM_001351834.2).
Identifiers: ClinVar variation 184054 (VCV000184054.28), dbSNP rs760285673, ClinGen allele CA187640.

ClinVar aggregate classification (germline): Conflicting classifications of pathogenicity. Review status: criteria provided, conflicting classifications (1 of 4 stars). 12 submissions from 12 submitters: Uncertain significance (1); Benign (2); Likely benign (8). 1 of the submissions does not count toward it. Last evaluated 2025-12-29.

Conditions:
ATM-related disorder. Also called: ATM-related disorders; ATM-related condition.
Hereditary cancer-predisposing syndrome. Also called: Tumor predisposition; Neoplastic Syndromes, Hereditary; Hereditary neoplastic syndrome; Hereditary Cancer Syndrome. Identifiers: Orphanet 140162, MedGen C0027672, MeSH D009386, MONDO:0015356.
Familial cancer of breast. Also called: hereditary breast carcinoma; BREAST CANCER, FAMILIAL; Hereditary breast cancer. Identifiers: Orphanet 227535, MedGen C0346153, MONDO:0016419, OMIM 114480. Disease mechanism: loss of function.
Ataxia-telangiectasia syndrome (AT). Also called: ATAXIA-TELANGIECTASIA, COMPLEMENTATION GROUP A; ATAXIA-TELANGIECTASIA, FRESNO VARIANT; Ataxia-telangiectasia; Ataxia-telangiectasia, complementation group E; Cerebello-oculocutaneous telangiectasia; Immunodeficiency with ataxia telangiectasia. Identifiers: Orphanet 100, MedGen C0004135, MONDO:0008840, OMIM 208900.

Allele frequency attached by ClinVar (database versions not stated): gnomAD exomes below 0.00001 and 0.00006; gnomAD 0.00002; TOPMed 0.00002.
gnomAD v4.1: 87 of 1,613,754 alleles (0.0054%); highest among the groups gnomAD compares: Non-Finnish European, 0.0074%; 1 homozygote.

Submissions (12):

Center for Genomic Medicine, Rigshospitalet, Copenhagen University Hospital
Classification: Likely benign. Last evaluated: 2025-12-29. Review status: criteria provided, single submitter. Criteria: ACMG Guidelines, 2015. Collection method: clinical testing. Allele origin: germline.

Labcorp Genetics (formerly Invitae), Labcorp
Classification: Likely benign for Ataxia-telangiectasia syndrome. Last evaluated: 2025-12-26. Review status: criteria provided, single submitter. Criteria: Invitae Variant Classification Sherloc (09022015). Collection method: clinical testing. Allele origin: germline.

Quest Diagnostics Nichols Institute San Juan Capistrano
Classification: Likely benign. Last evaluated: 2025-07-23. Review status: criteria provided, single submitter. Criteria: Quest Diagnostics criteria. Collection method: clinical testing. Allele origin: unknown.

Molecular Pathology, Peter Maccallum Cancer Centre
Classification: Uncertain significance for Ataxia-telangiectasia syndrome. Last evaluated: 2025-03-27. Review status: criteria provided, single submitter. Criteria: ACMG Guidelines, 2015. Collection method: clinical testing. Allele origin: germline. Inheritance: Autosomal recessive inheritance.

Blueprint Genetics
Classification: Likely benign. Last evaluated: 2024-08-13. Review status: criteria provided, single submitter. Criteria: ACMG Guidelines, 2015. Collection method: clinical testing. Allele origin: germline.

Myriad Genetics, Inc.
Classification: Benign for Familial cancer of breast. Last evaluated: 2024-04-30. Review status: criteria provided, single submitter. Criteria: Myriad Autosomal Dominant, Autosomal Recessive and X-Linked Classification Criteria (2023). Collection method: clinical testing. Allele origin: unknown.
Comment: This variant is considered benign. This variant is a silent/synonymous amino acid change and it is not expected to impact splicing.

Department of Pathology and Laboratory Medicine, Sinai Health System
Classification: Likely benign for Familial cancer of breast. Last evaluated: 2023-10-02. Review status: criteria provided, single submitter. Criteria: ACMG Guidelines, 2015. Collection method: clinical testing. Allele origin: germline. Affected: yes.

Women's Health and Genetics/Laboratory Corporation of America, LabCorp
Classification: Likely benign. Last evaluated: 2021-08-19. Review status: criteria provided, single submitter. Criteria: LabCorp Variant Classification Summary - May 2015. Collection method: clinical testing. Allele origin: germline.

Color Diagnostics, LLC DBA Color Health
Classification: Likely benign for Hereditary cancer-predisposing syndrome. Last evaluated: 2016-12-14. Review status: criteria provided, single submitter. Criteria: ACMG Guidelines, 2015. Collection method: clinical testing. Allele origin: germline.

GeneDx
Classification: Benign. Last evaluated: 2015-03-03. Review status: criteria provided, single submitter. Criteria: GeneDx Variant Classification Process June 2021. Collection method: clinical testing. Allele origin: germline. Affected: yes.

Ambry Genetics
Classification: Likely benign for Hereditary cancer-predisposing syndrome. Last evaluated: 2014-12-17. Review status: criteria provided, single submitter. Criteria: Ambry Variant Classification Scheme 2023. Collection method: clinical testing. Allele origin: germline.

PreventionGenetics, part of Exact Sciences
Classification: Likely benign for ATM-related condition. Last evaluated: 2023-12-31. Review status: no assertion criteria provided. Collection method: clinical testing. Allele origin: germline. Not counted in ClinVar's aggregate classification.
Comment: This variant is classified as likely benign based on ACMG/AMP sequence variant interpretation guidelines (Richards et al. 2015 PMID: 25741868, with internal and published modifications).